The following is an entry in ClinVar:

NM_001020658.2(PUM1):c.60C>G (p.Pro20=)

Gene: PUM1 (pumilio RNA binding family member 1; minus strand). Cytogenetic location: 1p35.2.
Variant type: single nucleotide variant.
Coding change: c.60C>G on transcript NM_001020658.2 (MANE Select); coding-DNA position 60, C replaced by G.
Protein change: p.Pro20=; no amino-acid change (proline 20 retained).
Molecular consequence: synonymous variant.
Genome position (GRCh38, 1-based): chr1:31,059,507, G>C on the plus strand (C>G on the coding strand, the complement: PUM1 is on the minus strand). VCF-style: chr1-31059507-G-C. GRCh37 (hg19) VCF-style: chr1-31532354-G-C.
Other names: c.60C>G, p.Pro20= (NM_014676.3).
Identifiers: ClinVar variation 3057277 (VCV003057277.2), dbSNP rs548852369, ClinGen allele CA729510.
Genomic context (GRCh38, chr1:31,059,507, plus strand): 5'-AGATGTCAAAACAACAGGCATGTTGGGATTAGCTGGTTCTTGAGGGTGATGTTTCAGGTG[G>C]GGGCTGAAAGAGTCCTGCCAAAGCACTGCTTTTCTCTTCAAGACACATGCAACGCTCATT-3'
Protein context (NP_001018494.1, residues 10-30): KAVLWQDSFS[Pro20=]HLKHHPQEPA

ClinVar aggregate classification (germline): Likely benign (0 of 4 stars; one submission).

Conditions:
PUM1-related disorder. Also called: PUM1-related disorders; PUM1-related condition.

gnomAD v4.1: 6 of 1,614,078 alleles (0.00037%); highest among the groups gnomAD compares: Admixed American, 0.0067%; no homozygotes.

Submission:

PreventionGenetics, part of Exact Sciences
Classification: Likely benign for PUM1-related condition. Last evaluated: 2019-03-22. Review status: no assertion criteria provided. Collection method: clinical testing. Allele origin: germline.
Comment: This variant is classified as likely benign based on ACMG/AMP sequence variant interpretation guidelines (Richards et al. 2015 PMID: 25741868, with internal and published modifications).